The following is an entry in ClinVar:

NM_002078.5(GOLGA4):c.2222A>G (p.Lys741Arg)

Gene: GOLGA4 (golgin A4; plus strand). Cytogenetic location: 3p22.2.
Variant type: single nucleotide variant.
Coding change: c.2222A>G on transcript NM_002078.5 (MANE Select); coding-DNA position 2222, A replaced by G.
Protein change: p.Lys741Arg; replaces lysine 741 with arginine.
Molecular consequence: missense variant.
Genome position (GRCh38, 1-based): chr3:37,324,108, A>G. VCF-style: chr3-37324108-A-G. GRCh37 (hg19) VCF-style: chr3-37365599-A-G.
Other names: c.2288A>G, p.Lys763Arg (NM_001172713.3, NM_001410721.2, NM_001429191.1); c.2339A>G, p.Lys780Arg (NM_001429190.1); c.2174A>G, p.Lys725Arg (NM_001429193.1); c.2240A>G, p.Lys747Arg (NM_001429196.1, NM_001429198.1); c.2222A>G, p.Lys741Arg (NM_001429201.1); c.2183A>G, p.Lys728Arg (NM_001429202.1); short protein forms K741R, K763R, K725R, K728R, K747R, K780R.
Identifiers: ClinVar variation 3047392 (VCV003047392.2), dbSNP rs191655781, ClinGen allele CA2309253.
Genomic context (GRCh38, chr3:37,324,108, plus strand): 5'-TAGAGGCCAAGATGGATGAACAGAAAAATCATCACCAGCAGCAAGTTGACAGTATCATTA[A>G]AGAACACGAGGTATCTATCCAGAGGACTGAGAAGGCATTAAAAGATCAAATTAATCAACT-3'
Protein context (NP_002069.2, residues 731-751): HHQQQVDSII[Lys741Arg]EHEVSIQRTE

ClinVar aggregate classification (germline): Likely benign (0 of 4 stars; one submission).

Conditions:
GOLGA4-related disorder. Also called: GOLGA4-related condition.

Allele frequency attached by ClinVar (database versions not stated): gnomAD exomes 0.00005; gnomAD 0.00014; ExAC 0.00020; TOPMed 0.00023; 1000 Genomes Project 0.00100; 1000 Genomes Project 30x 0.00125.
gnomAD v4.1: 107 of 1,614,160 alleles (0.0066%); highest among the groups gnomAD compares: East Asian, 0.21%; no homozygotes.

Submission:

PreventionGenetics, part of Exact Sciences
Classification: Likely benign for GOLGA4-related condition. Last evaluated: 2023-02-15. Review status: no assertion criteria provided. Collection method: clinical testing. Allele origin: germline.
Comment: This variant is classified as likely benign based on ACMG/AMP sequence variant interpretation guidelines (Richards et al. 2015 PMID: 25741868, with internal and published modifications).